The following is an entry in ClinVar:

NM_002437.5(MPV17):c.459C>G (p.Tyr153Ter)

Gene: MPV17 (mitochondrial inner membrane protein MPV17; minus strand). Cytogenetic location: 2p23.3.
Variant type: single nucleotide variant.
Coding change: c.459C>G on transcript NM_002437.5 (MANE Select); coding-DNA position 459, C replaced by G.
Protein change: p.Tyr153Ter; replaces tyrosine 153 with a stop codon.
Molecular consequence: nonsense.
Genome position (GRCh38, 1-based): chr2:27,311,901, G>C on the plus strand (C>G on the coding strand, the complement: MPV17 is on the minus strand). VCF-style: chr2-27311901-G-C. GRCh37 (hg19) VCF-style: chr2-27534769-G-C.
Other names: c.459C>G (NM_002437.4); short protein forms Y153*.
Identifiers: ClinVar variation 3239744 (VCV003239744.2), dbSNP rs957850339.

ClinVar aggregate classification (germline): Likely pathogenic. Review status: criteria provided, multiple submitters, no conflicts (2 of 4 stars). 2 submissions from 2 submitters: Likely pathogenic (2). Last evaluated 2025-12-10.

Conditions:
Charcot-Marie-Tooth disease, axonal, type 2EE. Also called: CHARCOT-MARIE-TOOTH NEUROPATHY, TYPE 2EE. Identifiers: MedGen C5193076, MONDO:0032728, OMIM 618400.
Mitochondrial DNA depletion syndrome, hepatocerebral form. Identifiers: Orphanet 254871, MedGen C3711385, MONDO:0100512.

gnomAD v4.1: 8 of 1,613,636 alleles (0.0005%); highest among the groups gnomAD compares: Non-Finnish European, 0.00051%; no homozygotes.

Submissions (2):

Natera, Inc.
Classification: Likely pathogenic for Mitochondrial DNA depletion syndrome, hepatocerebral form. Last evaluated: 2025-12-10. Review status: criteria provided, single submitter. Criteria: Natera Variant Classification Schema (03/2026). Collection method: clinical testing. Allele origin: germline.
Comment: The c.459C>G variant in MPV17 is a nonsense variant predicted to introduce a stop codon at amino acid 153. This variant is expected to result in nonsense mediated decay, truncation, or a dysfunctional protein product. This variant is rare in the general population with a frequency below the threshold expected for the associated phenotype(s). Given the available evidence, this variant is classified as Likely Pathogenic.

Baylor Genetics
Classification: Likely pathogenic for Charcot-Marie-Tooth disease, axonal, type 2EE. Last evaluated: 2024-02-25. Review status: criteria provided, single submitter. Criteria: ACMG Guidelines, 2015. Collection method: clinical testing. Allele origin: unknown.